The following is an entry in ClinVar:

NM_002386.4(MC1R):c.670C>G (p.Leu224Val)

Gene: MC1R (melanocortin 1 receptor; plus strand). Cytogenetic location: 16q24.3.
Variant type: single nucleotide variant.
Coding change: c.670C>G on transcript NM_002386.4 (MANE Select); coding-DNA position 670, C replaced by G.
Protein change: p.Leu224Val; replaces leucine 224 with valine.
Molecular consequence: missense variant.
Genome position (GRCh38, 1-based): chr16:89,919,928, C>G. VCF-style: chr16-89919928-C-G. GRCh37 (hg19) VCF-style: chr16-89986336-C-G.
Other names: short protein forms L224V.
Identifiers: ClinVar variation 3871122 (VCV003871122.1).

ClinVar aggregate classification (germline): Uncertain significance (1 of 4 stars; one submission).

gnomAD v4.1: 4 of 1,610,430 alleles (0.00025%); highest among the groups gnomAD compares: Non-Finnish European, 0.00025%; no homozygotes.

Submission:

Ambry Genetics
Classification: Uncertain significance. Last evaluated: 2025-02-17. Review status: criteria provided, single submitter. Criteria: Ambry Variant Classification Scheme 2023. Collection method: clinical testing. Allele origin: germline.
Comment: The p.L224V variant (also known as c.670C>G), located in coding exon 1 of the MC1R gene, results from a C to G substitution at nucleotide position 670. The leucine at codon 224 is replaced by valine, an amino acid with highly similar properties. This amino acid position is conserved. In addition, this alteration is predicted to be tolerated by in silico analysis. Based on the available evidence, the clinical significance of this variant remains unclear.